The following is an entry in ClinVar:

ClinVar aggregate classification (germline): Likely benign. Review status: criteria provided, multiple submitters, no conflicts (2 of 4 stars). 3 submissions from 3 submitters: Likely benign (2). 1 of the submissions does not count toward it. Last evaluated 2025-12-29.

Conditions:
Dyskeratosis congenita, autosomal dominant 6 (DKCA6). Identifiers: Orphanet 3322, MedGen C4225284, MONDO:0014690, OMIM 616553.
ACD-related disorder. Also called: ACD-related condition.

Allele frequency attached by ClinVar (database versions not stated): gnomAD exomes 0.00001; TOPMed 0.00001.
gnomAD v4.1: 17 of 1,613,544 alleles (0.0011%); highest among the groups gnomAD compares: Middle Eastern, 0.033%; 1 homozygote.

Submissions (3):

Center for Genomic Medicine, Rigshospitalet, Copenhagen University Hospital
Classification: Likely benign. Last evaluated: 2025-12-29. Review status: criteria provided, single submitter. Criteria: ACMG Guidelines, 2015. Collection method: clinical testing. Allele origin: germline.

Labcorp Genetics (formerly Invitae), Labcorp
Classification: Likely benign for Dyskeratosis congenita, autosomal dominant 6. Last evaluated: 2024-07-08. Review status: criteria provided, single submitter. Criteria: Invitae Variant Classification Sherloc (09022015). Collection method: clinical testing. Allele origin: germline.

PreventionGenetics, part of Exact Sciences
Classification: Likely benign for ACD-related condition. Last evaluated: 2019-10-28. Review status: no assertion criteria provided. Collection method: clinical testing. Allele origin: germline. Not counted in ClinVar's aggregate classification.
Comment: This variant is classified as likely benign based on ACMG/AMP sequence variant interpretation guidelines (Richards et al. 2015 PMID: 25741868, with internal and published modifications).

NM_001082486.2(ACD):c.830-5C>T

Gene: ACD (ACD shelterin complex subunit and telomerase recruitment factor; minus strand). Cytogenetic location: 16q22.1.
Variant type: single nucleotide variant.
Coding change: c.830-5C>T on transcript NM_001082486.2 (MANE Select); 5 bases into the intron before coding-DNA position 830, C replaced by T.
Molecular consequence: intron variant.
Genome position (GRCh38, 1-based): chr16:67,658,367, G>A on the plus strand (C>T on the coding strand, the complement: ACD is on the minus strand). VCF-style: chr16-67658367-G-A. GRCh37 (hg19) VCF-style: chr16-67692270-G-A.
Other names: c.1088-5C>T (NM_001082486.1); c.821-5C>T (NM_022914.3).
Identifiers: ClinVar variation 2069645 (VCV002069645.7), dbSNP rs928618096, ClinGen allele CA283217380.
Genomic context (GRCh38, chr16:67,658,367, plus strand): 5'-GCTGATGCTGGTACCACTTTCCTCGGATGACATGTGGCCGGGTAAGGCCGGGGTTCCTGA[G>A]GAGGAGGGGACTTATTGTAGGCACAGCCCTCTCCGCTCAGGGCAGCTGAGTGGCCTGCGA-3'